The following is an entry in ClinVar:

NM_032383.5(HPS3):c.1182C>G (p.Phe394Leu)

Gene: HPS3 (HPS3 biogenesis of lysosomal organelles complex 2 subunit 1; plus strand). Cytogenetic location: 3q24.
Variant type: single nucleotide variant.
Coding change: c.1182C>G on transcript NM_032383.5 (MANE Select); coding-DNA position 1182, C replaced by G.
Protein change: p.Phe394Leu; replaces phenylalanine 394 with leucine.
Molecular consequence: missense variant.
Genome position (GRCh38, 1-based): chr3:149,150,617, C>G. VCF-style: chr3-149150617-C-G. GRCh37 (hg19) VCF-style: chr3-148868404-C-G.
Other names: c.687C>G, p.Phe229Leu (NM_001308258.2); c.1182C>G (NM_032383.3); short protein forms F229L, F394L.
Identifiers: ClinVar variation 2157913 (VCV002157913.2), dbSNP rs1298976710, ClinGen allele CA354917055.
Genomic context (GRCh38, chr3:149,150,617, plus strand): 5'-CTTGGCCTCACTTTGCTCAGCAGCCTGTGTCTTCCTCCTCAGTAACAACCTGCAGTGTTT[C>G]ACTGTGCGGTGCAGTGCGGCGGCAGCTCGTGAGGAGGACCCGTACATGGACACCACCCTG-3'
Protein context (NP_115759.2, residues 384-404): HVITSNNLQC[Phe394Leu]TVRCSAAAAR

ClinVar aggregate classification (germline): Uncertain significance. Review status: criteria provided, multiple submitters, no conflicts (2 of 4 stars). 2 submissions from 2 submitters: Uncertain significance (2). Last evaluated 2024-09-06.

Conditions:
Inborn genetic diseases. Identifiers: MedGen C0950123, MeSH D030342.

Allele frequency attached by ClinVar (database versions not stated): gnomAD 0.00001; gnomAD exomes 0.00002.
gnomAD v4.1: 27 of 1,613,922 alleles (0.0017%); highest among the groups gnomAD compares: Non-Finnish European, 0.002%; no homozygotes.

Submissions (2):

Ambry Genetics
Classification: Uncertain significance for Inborn genetic diseases. Last evaluated: 2024-09-06. Review status: criteria provided, single submitter. Criteria: Ambry Variant Classification Scheme 2023. Collection method: clinical testing. Allele origin: germline.

Labcorp Genetics (formerly Invitae), Labcorp
Classification: Uncertain significance. Last evaluated: 2022-03-13. Review status: criteria provided, single submitter. Criteria: Invitae Variant Classification Sherloc (09022015). Collection method: clinical testing. Allele origin: germline.
Comment: This sequence change replaces phenylalanine, which is neutral and non-polar, with leucine, which is neutral and non-polar, at codon 394 of the HPS3 protein (p.Phe394Leu). This variant is present in population databases (no rsID available, gnomAD 0.007%). This variant has not been reported in the literature in individuals affected with HPS3-related conditions. Algorithms developed to predict the effect of missense changes on protein structure and function (SIFT, PolyPhen-2, Align-GVGD) all suggest that this variant is likely to be tolerated. In summary, the available evidence is currently insufficient to determine the role of this variant in disease. Therefore, it has been classified as a Variant of Uncertain Significance.